The following is an entry in ClinVar:

NM_002439.5(MSH3):c.1730dup (p.Lys578fs)

Gene: MSH3 (mutS homolog 3; plus strand). Cytogenetic location: 5q14.1.
Variant type: Duplication.
Coding change: c.1730dup on transcript NM_002439.5 (MANE Select); coding-DNA position 1730, one base duplicated (A; older notation c.1730dupA).
Protein change: p.Lys578fs; shifts the reading frame from lysine 578.
Molecular consequence: frameshift variant.
Genome position (GRCh38, 1-based): chr5:80,744,582, A duplicated; the last of 3 consecutive A bases (chr5:80,744,580-80,744,582); duplicating any one gives the same sequence. VCF-style (leftmost placement, unchanged base first): chr5-80744579-T-TA. GRCh37 (hg19) VCF-style: chr5-80040398-T-TA.
Other names: short protein forms K578fs.
Identifiers: ClinVar variation 1455540 (VCV001455540.9), dbSNP rs2112868948, ClinGen allele CA2573139882.

ClinVar aggregate classification (germline): Pathogenic. Review status: criteria provided, multiple submitters, no conflicts (2 of 4 stars). 3 submissions from 3 submitters: Pathogenic (3). Last evaluated 2025-01-12.

Conditions:
Hereditary cancer-predisposing syndrome. Also called: Tumor predisposition; Neoplastic Syndromes, Hereditary; Hereditary Cancer Syndrome; Hereditary neoplastic syndrome. Identifiers: Orphanet 140162, MedGen C0027672, MeSH D009386, MONDO:0015356.
Familial adenomatous polyposis 4 (FAP4). Also called: MSH3-related attenuated familial adenomatous polyposis. Identifiers: Orphanet 480536, MedGen C4310719, MONDO:0044300, OMIM 617100.

Submissions (3):

Labcorp Genetics (formerly Invitae), Labcorp
Classification: Pathogenic. Last evaluated: 2025-01-12. Review status: criteria provided, single submitter. Criteria: Invitae Variant Classification Sherloc (09022015). Collection method: clinical testing. Allele origin: germline.
Comment: This sequence change creates a premature translational stop signal (p.Lys578Glufs*9) in the MSH3 gene. It is expected to result in an absent or disrupted protein product. Loss-of-function variants in MSH3 are known to be pathogenic (PMID: 27476653, 37402566). This variant is not present in population databases (gnomAD no frequency). This variant has not been reported in the literature in individuals affected with MSH3-related conditions. ClinVar contains an entry for this variant (Variation ID: 1455540). For these reasons, this variant has been classified as Pathogenic.

Myriad Genetics, Inc.
Classification: Pathogenic for Familial adenomatous polyposis 4. Last evaluated: 2023-07-26. Review status: criteria provided, single submitter. Criteria: Myriad Autosomal Dominant, Autosomal Recessive and X-Linked Classification Criteria (2023). Collection method: clinical testing. Allele origin: unknown.
Comment: This variant is considered pathogenic. This variant creates a frameshift predicted to result in premature protein truncation.

Ambry Genetics
Classification: Pathogenic for Hereditary cancer-predisposing syndrome. Last evaluated: 2022-08-30. Review status: criteria provided, single submitter. Criteria: Ambry Variant Classification Scheme 2023. Collection method: clinical testing. Allele origin: germline.
Comment: The c.1730dupA pathogenic mutation, located in coding exon 12 of the MSH3 gene, results from a duplication of A at nucleotide position 1730, causing a translational frameshift with a predicted alternate stop codon (p.K578Efs*9). This variant is considered to be rare based on population cohorts in the Genome Aggregation Database (gnomAD). This alteration is expected to result in loss of function by premature protein truncation or nonsense-mediated mRNA decay. As such, this alteration is interpreted as a disease-causing mutation.

Literature cited by the submitters: PubMed 27476653 (cited by Labcorp Genetics (formerly Invitae), Labcorp); PubMed 37402566 (cited by Labcorp Genetics (formerly Invitae), Labcorp).